The following is an entry in ClinVar:

NM_020822.3(KCNT1):c.790C>A (p.Gln264Lys)

Gene: KCNT1 (potassium sodium-activated channel subfamily T member 1; plus strand). Cytogenetic location: 9q34.3.
Variant type: single nucleotide variant.
Coding change: c.790C>A on transcript NM_020822.3 (MANE Select); coding-DNA position 790, C replaced by A.
Protein change: p.Gln264Lys; replaces glutamine 264 with lysine.
Molecular consequence: missense variant.
Genome position (GRCh38, 1-based): chr9:135,758,444, C>A. VCF-style: chr9-135758444-C-A. GRCh37 (hg19) VCF-style: chr9-138650290-C-A.
Other names: c.646C>A, p.Gln216Lys (NM_001272003.2); short protein forms Q216K, Q264K.
Identifiers: ClinVar variation 2078148 (VCV002078148.4), dbSNP rs1277700294, ClinGen allele CA375498128.

ClinVar aggregate classification (germline): Uncertain significance (1 of 4 stars; one submission).

Conditions:
Developmental and epileptic encephalopathy, 14 (DEE14). Also called: Early infantile epileptic encephalopathy 14. Identifiers: Orphanet 293181, MedGen C3554195, MONDO:0013989, OMIM 614959.
Autosomal dominant nocturnal frontal lobe epilepsy 5. Also called: Epilepsy, nocturnal frontal lobe, 5; CILIARY DYSKINESIA, PRIMARY, 28, WITH SITUS INVERSUS; CILIARY DYSKINESIA, PRIMARY, 28, WITHOUT SITUS INVERSUS; KCNT1-Related Epilepsy. Identifiers: Orphanet 98784, MedGen C3554306, MONDO:0014002, OMIM 615005.

Submission:

Labcorp Genetics (formerly Invitae), Labcorp
Classification: Uncertain significance for Autosomal dominant nocturnal frontal lobe epilepsy 5; Developmental and epileptic encephalopathy, 14. Last evaluated: 2024-04-08. Review status: criteria provided, single submitter. Criteria: Invitae Variant Classification Sherloc (09022015). Collection method: clinical testing. Allele origin: germline.
Comment: This sequence change replaces glutamine, which is neutral and polar, with lysine, which is basic and polar, at codon 264 of the KCNT1 protein (p.Gln264Lys). This variant is not present in population databases (gnomAD no frequency). This variant has not been reported in the literature in individuals affected with KCNT1-related conditions. ClinVar contains an entry for this variant (Variation ID: 2078148). Advanced modeling of protein sequence and biophysical properties (such as structural, functional, and spatial information, amino acid conservation, physicochemical variation, residue mobility, and thermodynamic stability) performed at Invitae indicates that this missense variant is not expected to disrupt KCNT1 protein function with a negative predictive value of 80%. In summary, the available evidence is currently insufficient to determine the role of this variant in disease. Therefore, it has been classified as a Variant of Uncertain Significance.